The following is an entry in ClinVar:

ClinVar aggregate classification (germline): Uncertain significance (1 of 4 stars; one submission).

Conditions:
Bethlem myopathy 1A. Also called: Bethlem Muscular Dystrophy; Bethlem myopathy 1; MYOPATHY, BENIGN CONGENITAL, WITH CONTRACTURES. Identifiers: Orphanet 610, MedGen CN029274, MONDO:0024530, OMIM 158810.

Allele frequency attached by ClinVar (database versions not stated): TOPMed below 0.00001.

Submission:

Labcorp Genetics (formerly Invitae), Labcorp
Classification: Uncertain significance for Bethlem myopathy 1A. Last evaluated: 2022-05-07. Review status: criteria provided, single submitter. Criteria: Invitae Variant Classification Sherloc (09022015). Collection method: clinical testing. Allele origin: germline.
Comment: This sequence change replaces isoleucine, which is neutral and non-polar, with valine, which is neutral and non-polar, at codon 3045 of the COL6A3 protein (p.Ile3045Val). In summary, the available evidence is currently insufficient to determine the role of this variant in disease. Therefore, it has been classified as a Variant of Uncertain Significance. Advanced modeling of protein sequence and biophysical properties (such as structural, functional, and spatial information, amino acid conservation, physicochemical variation, residue mobility, and thermodynamic stability) performed at Invitae indicates that this missense variant is not expected to disrupt COL6A3 protein function. This variant has not been reported in the literature in individuals affected with COL6A3-related conditions. This variant is not present in population databases (gnomAD no frequency).

NM_004369.4(COL6A3):c.9133A>G (p.Ile3045Val)

Gene: COL6A3 (collagen type VI alpha 3 chain; minus strand). Cytogenetic location: 2q37.3.
Variant type: single nucleotide variant.
Coding change: c.9133A>G on transcript NM_004369.4 (MANE Select); coding-DNA position 9133, A replaced by G.
Protein change: p.Ile3045Val; replaces isoleucine 3045 with valine.
Molecular consequence: missense variant.
Genome position (GRCh38, 1-based): chr2:237,334,722, T>C on the plus strand (A>G on the coding strand, the complement: COL6A3 is on the minus strand). VCF-style: chr2-237334722-T-C. GRCh37 (hg19) VCF-style: chr2-238243365-T-C.
Other names: c.7312A>G, p.Ile2438Val (NM_057166.5); c.8515A>G, p.Ile2839Val (NM_057167.4); short protein forms I2438V, I3045V, I2839V.
Identifiers: ClinVar variation 2162963 (VCV002162963.4), dbSNP rs1700442585, ClinGen allele CA351188398.